The following is an entry in ClinVar:

ClinVar aggregate classification (germline): Uncertain significance (1 of 4 stars; one submission).

Allele frequency attached by ClinVar (database versions not stated): TOPMed below 0.00001.

Submission:

Labcorp Genetics (formerly Invitae), Labcorp
Classification: Uncertain significance. Last evaluated: 2022-11-06. Review status: criteria provided, single submitter. Criteria: Invitae Variant Classification Sherloc (09022015). Collection method: clinical testing. Allele origin: germline.
Comment: In summary, the available evidence is currently insufficient to determine the role of this variant in disease. Therefore, it has been classified as a Variant of Uncertain Significance. Algorithms developed to predict the effect of sequence changes on RNA splicing suggest that this variant may disrupt the consensus splice site. This variant has not been reported in the literature in individuals affected with ACO2-related conditions. This variant is not present in population databases (gnomAD no frequency). This sequence change affects codon 458 of the ACO2 mRNA. It is a 'silent' change, meaning that it does not change the encoded amino acid sequence of the ACO2 protein.

NM_001098.3(ACO2):c.1374G>A (p.Lys458=)

Gene: ACO2 (aconitase 2; plus strand). Cytogenetic location: 22q13.2.
Variant type: single nucleotide variant.
Coding change: c.1374G>A on transcript NM_001098.3 (MANE Select); coding-DNA position 1374, G replaced by A.
Protein change: p.Lys458=; no amino-acid change (lysine 458 retained).
Molecular consequence: synonymous variant.
Genome position (GRCh38, 1-based): chr22:41,523,833, G>A. VCF-style: chr22-41523833-G-A. GRCh37 (hg19) VCF-style: chr22-41919837-G-A.
Identifiers: ClinVar variation 2879944 (VCV002879944.3), dbSNP rs2066548695, ClinGen allele CA514653000.